The following is an entry in ClinVar:

NM_000094.4(COL7A1):c.4297G>C (p.Gly1433Arg)

Gene: COL7A1 (collagen type VII alpha 1 chain; minus strand). Cytogenetic location: 3p21.31.
Variant type: single nucleotide variant.
Coding change: c.4297G>C on transcript NM_000094.4 (MANE Select); coding-DNA position 4297, G replaced by C.
Protein change: p.Gly1433Arg; replaces glycine 1433 with arginine.
Molecular consequence: missense variant.
Genome position (GRCh38, 1-based): chr3:48,583,762, C>G on the plus strand (G>C on the coding strand, the complement: COL7A1 is on the minus strand). VCF-style: chr3-48583762-C-G. GRCh37 (hg19) VCF-style: chr3-48621195-C-G.
Other names: short protein forms G1433R.
Identifiers: ClinVar variation 1024867 (VCV001024867.2), dbSNP rs2044972455, ClinGen allele CA352693605.

ClinVar aggregate classification (germline): Uncertain significance (1 of 4 stars; one submission).

Submission:

Labcorp Genetics (formerly Invitae), Labcorp
Classification: Uncertain significance. Last evaluated: 2021-08-26. Review status: criteria provided, single submitter. Criteria: Invitae Variant Classification Sherloc (09022015). Collection method: clinical testing. Allele origin: germline.
Comment: This sequence change replaces glycine with arginine at codon 1433 of the COL7A1 protein (p.Gly1433Arg). The glycine residue is highly conserved and there is a moderate physicochemical difference between glycine and arginine. This variant is not present in population databases (ExAC no frequency). This variant has not been reported in the literature in individuals affected with COL7A1-related conditions. Algorithms developed to predict the effect of missense changes on protein structure and function are either unavailable or do not agree on the potential impact of this missense change (SIFT: "Deleterious"; PolyPhen-2: "Not Available"; Align-GVGD: "Class C65"). This variant disrupts the triple helix domain of COL7A1. Glycine residues within the Gly-Xaa-Yaa repeats of the triple helix domain are required for the structure and stability of fibrillar collagens (PMID: 7695699, 8218237, 19344236), and variants at these glycine residues in COL7A1 are more frequently observed in individuals with disease than in the general population (PMID: 22058051). However, the clinical significance of this observation remains uncertain since only a limited number of affected individuals have been described to date. In summary, the available evidence is currently insufficient to determine the role of this variant in disease. Therefore, it has been classified as a Variant of Uncertain Significance.

Literature cited by the submitters: PubMed 7695699; PubMed 8218237; PubMed 19344236; PubMed 22058051.